The following is an entry in ClinVar:

NM_000338.3(SLC12A1):c.2856T>C (p.Ile952=)

Gene: SLC12A1 (solute carrier family 12 member 1; plus strand). Cytogenetic location: 15q21.1.
Variant type: single nucleotide variant.
Coding change: c.2856T>C on transcript NM_000338.3 (MANE Select); coding-DNA position 2856, T replaced by C.
Protein change: p.Ile952=; no amino-acid change (isoleucine 952 retained).
Molecular consequence: synonymous variant.
Genome position (GRCh38, 1-based): chr15:48,288,499, T>C. VCF-style: chr15-48288499-T-C. GRCh37 (hg19) VCF-style: chr15-48580696-T-C.
Other names: c.2856T>C, p.Ile952= (NM_001184832.2, NM_001384136.1); c.2856T>C (NM_000338.2).
Identifiers: ClinVar variation 2906364 (VCV002906364.4), dbSNP rs763091239, ClinGen allele CA7547533.

ClinVar aggregate classification (germline): Likely benign. Review status: criteria provided, multiple submitters, no conflicts (2 of 4 stars). 2 submissions from 2 submitters: Likely benign (2). Last evaluated 2025-12-24.

Conditions:
SLC12A1-related disorder. Also called: SLC12A1-related condition.

Allele frequency attached by ClinVar (database versions not stated): gnomAD 0.00004; TOPMed 0.00005; gnomAD exomes 0.00006.
gnomAD v4.1: 90 of 1,537,520 alleles (0.0059%); highest among the groups gnomAD compares: Non-Finnish European, 0.0074%; no homozygotes.

Submissions (2):

Labcorp Genetics (formerly Invitae), Labcorp
Classification: Likely benign. Last evaluated: 2025-12-24. Review status: criteria provided, single submitter. Criteria: Invitae Variant Classification Sherloc (09022015). Collection method: clinical testing. Allele origin: germline.

PreventionGenetics, part of Exact Sciences
Classification: Likely benign for SLC12A1-related condition. Last evaluated: 2025-08-15. Review status: criteria provided, single submitter. Criteria: ACMG Guidelines, 2015. Collection method: clinical testing. Allele origin: germline.
Comment: This variant is classified as likely benign based on ACMG/AMP sequence variant interpretation guidelines (Richards et al. 2015 PMID: 25741868, with internal and published modifications).